The following is an entry in ClinVar:

ClinVar aggregate classification (germline): Pathogenic/Likely pathogenic. Review status: criteria provided, multiple submitters, no conflicts (2 of 4 stars). 5 submissions from 5 submitters: Pathogenic (1); Likely pathogenic (4). Last evaluated 2026-01-05.

Conditions:
Hereditary angioedema type 1 (HAE1). Identifiers: OMIM 106100, Orphanet 100050, Orphanet 100051, Orphanet 91378, MedGen C2717906, MONDO:0015053.
Hereditary angioedema types I and II.
SERPING1-related disorder. Also called: SERPING1-related condition.

Submissions (5):

Variantyx, Inc.
Classification: Likely pathogenic for Hereditary angioedema type 1. Last evaluated: 2026-01-05. Review status: criteria provided, single submitter. Criteria: Variantyx Assertion Criteria 2022. Collection method: clinical testing. Allele origin: germline. Inheritance: Autosomal recessive inheritance. Affected: yes.
Comment: This is an inframe deletion variant in the SERPING1 gene (OMIM: 606860). Pathogenic variants in this gene have been associated with autosomal dominant or autosomal recessive hereditary angioedema 1 and 2. This variant causes an in-frame deletion of a single amino acid at position 272 of the SERPING1 protein (PM4_Supporting). It has been reported in at least 5 unrelated affected individuals (PMID: 7937817, 35821062, 18758157) (PS4_Moderate) and observed to segregate with disease in at least individuals from 2 families (PMID: 18758157) (PP1). Functional studies have shown that this variant alters SERPING1 protein function (PMID: 36587848) (PS3). This variant is absent from control populations (PM2). Based on the current evidence, this variant is classified as likely pathogenic for autosomal dominant or autosomal recessive hereditary angioedema 1 and 2.

North West Genomic Laboratory Hub, Manchester University NHS Foundation Trust
Classification: Likely pathogenic for Hereditary angioedema types I and II. Last evaluated: 2025-01-23. Review status: criteria provided, single submitter. Criteria: ACGS Best Practice Guidelines for Variant Classification in Rare Disease 2024. Collection method: clinical testing. Allele origin: germline. Affected: yes.
Comment: PS4_Mod PM2_Mod PM4_Supp PP4_Mod

DNA-diagnostics Laboratory, Research Centre For Medical Genetics
Classification: Likely pathogenic for Hereditary angioedema type 1. Last evaluated: 2024-08-09. Review status: criteria provided, single submitter. Criteria: ACMG Guidelines, 2015. Collection method: research. Allele origin: germline. Inheritance: Autosomal dominant inheritance. Affected: yes. Observed: 1 heterozygote.
Comment: The pathogenic or likely pathogenic SERPING1 gene variants are detected in >90% of the HAE1/2 families and in >80% of the total HAE families (e.g., DOI: 10.1016/j.molimm.2008.05.007, 10.1159/2F000138883, 10.1016/j.molimm.2011.07.010). The same variant has previously been reported at least in 12 HAE1 cases (PMID: 7937817, 8755917, DOI: 10.1002/humu.20197, 10.1016/j.molimm.2011.07.010, 10.1111/all.12024, 10.1007/s10875-015-0222-9, 10.1002/humu.23917). According to our observation and published information , the c.816_818del variant in SERPING1 meets ACMG/ClinGen SVI guidance criteria to be classified as likely pathogenic: PP4_Str, PM4, PS4_Mod, PM2_Sup

Labcorp Genetics (formerly Invitae), Labcorp
Classification: Likely pathogenic. Last evaluated: 2024-05-20. Review status: criteria provided, single submitter. Criteria: Invitae Variant Classification Sherloc (09022015). Collection method: clinical testing. Allele origin: germline.
Comment: This variant, c.816_818del, results in the deletion of 1 amino acid(s) of the SERPING1 protein (p.Asn272del), but otherwise preserves the integrity of the reading frame. This variant is not present in population databases (gnomAD no frequency). This variant has been observed in individuals with hereditary angioedema (PMID: 7937817, 22994404, 35821062; Invitae). This variant is also known as c.813_815delCAA. In summary, the currently available evidence indicates that the variant is pathogenic, but additional data are needed to prove that conclusively. Therefore, this variant has been classified as Likely Pathogenic.

Blueprint Genetics
Classification: Pathogenic for SERPING1-related disorders. Last evaluated: 2022-08-02. Review status: criteria provided, single submitter. Criteria: ACMG Guidelines, 2015. Collection method: clinical testing. Allele origin: germline. Affected: yes. Observed: 1 variant allele.

Literature cited by the submitters: PubMed 7937817 (cited by 3 submitters); PubMed 35821062 (cited by Variantyx, Inc. and Labcorp Genetics (formerly Invitae), Labcorp); PubMed 18758157 (cited by Variantyx, Inc.); PubMed 36587848 (cited by Variantyx, Inc.); PubMed 8755917 (cited by DNA-diagnostics Laboratory, Research Centre For Medical Genetics); DOI 10.1002/humu.20197 (cited by DNA-diagnostics Laboratory, Research Centre For Medical Genetics); DOI 10.1016/j.molimm.2011.07.010 (cited by DNA-diagnostics Laboratory, Research Centre For Medical Genetics); DOI 10.1111/all.12024 (cited by DNA-diagnostics Laboratory, Research Centre For Medical Genetics); DOI 10.1007/s10875-015-0222-9 (cited by DNA-diagnostics Laboratory, Research Centre For Medical Genetics); DOI 10.1002/humu.23917 (cited by DNA-diagnostics Laboratory, Research Centre For Medical Genetics); PubMed 22994404 (cited by Labcorp Genetics (formerly Invitae), Labcorp).

NM_000062.3(SERPING1):c.810CAA[2] (p.Asn272del)

Gene: SERPING1 (serpin family G member 1; plus strand). Cytogenetic location: 11q12.1.
Variant type: Microsatellite.
Coding change: c.810CAA[2] on transcript NM_000062.3 (MANE Select); two copies in a row of the 3-base unit CAA starting at c.810; the reference has three copies in a row; one copy, 3 bases deleted; also written c.816_818del.
Protein change: p.Asn272del; deletes asparagine 272.
Molecular consequence: inframe deletion.
Genome position (GRCh38, 1-based): chr11:57,606,140-57,606,142, CAA deleted; deleting any 3 consecutive bases within chr11:57,606,134-57,606,142 gives the same sequence; the position shown is the placement nearest the transcript's 3' end. VCF-style (leftmost placement, unchanged base first): chr11-57606133-CCAA-C. GRCh37 (hg19) VCF-style: chr11-57373606-CCAA-C.
Other names: c.810CAA[2], p.Asn272del (NM_001032295.2); c.816_818del (NM_000062.3); short protein forms N272del.
Identifiers: ClinVar variation 2137097 (VCV002137097.8), dbSNP rs2495440974, ClinGen allele CA2579983779.
Genomic context (GRCh38, chr11:57,606,133, plus strand): 5'-TCCTAAGCAACAACAGTGACGCCAACTTGGAGCTCATCAACACCTGGGTGGCCAAGAACA[CCAA>C]CAACAAGATCAGCCGGCTGCTAGACAGTCTGCCCTCCGATACCCGCCTTGTCCTCCTCAA-3'